The following is an entry in ClinVar:

ClinVar aggregate classification (germline): Uncertain significance (1 of 4 stars; one submission).

Submission:

GeneDx
Classification: Uncertain significance. Last evaluated: 2025-06-11. Review status: criteria provided, single submitter. Criteria: GeneDx Variant Classification Process June 2021. Collection method: clinical testing. Allele origin: germline. Affected: yes.
Comment: Not observed at significant frequency in large population cohorts (gnomAD); In silico analysis indicates that this missense variant does not alter protein structure/function; Has not been previously published as pathogenic or benign to our knowledge; Reported using an alternate transcript of the gene

NM_001037.5(SCN1B):c.448+131G>T

Gene: SCN1B (sodium voltage-gated channel beta subunit 1; plus strand). Cytogenetic location: 19q13.11.
Variant type: single nucleotide variant.
Coding change: c.448+131G>T on transcript NM_001037.5 (MANE Select); 131 bases into the intron after coding-DNA position 448, G replaced by T.
Molecular consequence: intron variant. On other transcripts: missense variant (1).
Genome position (GRCh38, 1-based): chr19:35,033,870, G>T. VCF-style: chr19-35033870-G-T. GRCh37 (hg19) VCF-style: chr19-35524774-G-T.
Other names: c.579G>T, p.Glu193Asp (NM_199037.5); c.349+131G>T (NM_001321605.2); short protein forms E193D.
Identifiers: ClinVar variation 4537529 (VCV004537529.1).